The following is an entry in ClinVar:

ClinVar aggregate classification (germline): Uncertain significance (0 of 4 stars; one submission).

Conditions:
ARMC5-related disorder. Also called: ARMC5-related condition.

Submission:

PreventionGenetics, part of Exact Sciences
Classification: Uncertain significance for ARMC5-related condition. Last evaluated: 2024-02-22. Review status: no assertion criteria provided. Collection method: clinical testing. Allele origin: germline.
Comment: The ARMC5 c.2153C>T variant is predicted to result in the amino acid substitution p.Ser718Phe. To our knowledge, this variant has not been reported in the literature or in a large population database, indicating this variant is rare. This variant is not present in the ClinVar database. At this time, the clinical significance of this variant is uncertain due to the absence of conclusive functional and genetic evidence.

NM_001105247.2(ARMC5):c.1864+289C>T

Gene: ARMC5 (armadillo repeat containing 5; plus strand). Cytogenetic location: 16p11.2.
Variant type: single nucleotide variant.
Coding change: c.1864+289C>T on transcript NM_001105247.2 (MANE Select); 289 bases into the intron after coding-DNA position 1864, C replaced by T.
Molecular consequence: intron variant. On other transcripts: missense variant (1).
Genome position (GRCh38, 1-based): chr16:31,465,176, C>T. VCF-style: chr16-31465176-C-T. GRCh37 (hg19) VCF-style: chr16-31476497-C-T.
Other names: c.2153C>T, p.Ser718Phe (NM_024742.2); c.2149+289C>T (NM_001288767.2); c.1960+289C>T (NM_001301820.1); short protein forms S718F.
Identifiers: ClinVar variation 3061410 (VCV003061410.2), dbSNP rs2142576684, ClinGen allele CA395737561.
Genomic context (GRCh38, chr16:31,465,176, plus strand): 5'-CTAACTCTAGATGCAGCCCCGCGCCCAGGATCTGGGCTGGTCTGTGCTTCTTTCCTGGCT[C>T]TGCCATTGGTTCAGCACTGTCCTGACTGCTCCCCACCAGCACGCTGACCTGTGAACCCCA-3'